The following is an entry in ClinVar:

NM_000059.4(BRCA2):c.3635dup (p.Asn1212fs)

Gene: BRCA2 (BRCA2 DNA repair associated; plus strand). Cytogenetic location: 13q13.1.
Variant type: Duplication.
Coding change: c.3635dup on transcript NM_000059.4 (MANE Select); coding-DNA position 3635, one base duplicated (A; older notation c.3635dupA).
Protein change: p.Asn1212fs; shifts the reading frame from asparagine 1212.
Molecular consequence: frameshift variant.
Genome position (GRCh38, 1-based): chr13:32,337,990, A duplicated; the last of 4 consecutive A bases (chr13:32,337,987-32,337,990); duplicating any one gives the same sequence. VCF-style (leftmost placement, unchanged base first): chr13-32337986-G-GA. GRCh37 (hg19) VCF-style: chr13-32912123-G-GA.
Other names: c.3635dupA (NM_000059.3); short protein forms N1212fs.
Identifiers: ClinVar variation 462302 (VCV000462302.7), dbSNP rs1555283322, ClinGen allele CA658656420.
Genomic context (GRCh38, chr13:32,337,986, plus strand): 5'-AAGTTTGCTGGCCTGTTGAAAAATGACTGTAACAAAAGTGCTTCTGGTTATTTAACAGAT[G>GA]AAAATGAAGTGGGGTTTAGGGGCTTTTATTCTGCTCATGGCACAAAACTGAATGTTTCTA-3'

ClinVar aggregate classification (germline): Pathogenic (1 of 4 stars; one submission).

Conditions:
Hereditary breast ovarian cancer syndrome. Also called: Hereditary breast and ovarian cancer syndrome (HBOC); Hereditary breast and ovarian cancer syndrome; Breast and ovarian cancer; Hereditary breast and/or ovarian cancer syndrome; Hereditary breast and ovarian cancer; BRCA1- and BRCA2-Associated Hereditary Breast and Ovarian Cancer. Identifiers: Orphanet 145, MedGen C0677776, MeSH D061325, MONDO:0003582. Disease mechanism: loss of function.

Submission:

Labcorp Genetics (formerly Invitae), Labcorp
Classification: Pathogenic for Hereditary breast ovarian cancer syndrome. Last evaluated: 2020-09-02. Review status: criteria provided, single submitter. Criteria: Invitae Variant Classification Sherloc (09022015). Collection method: clinical testing. Allele origin: germline.
Comment: For these reasons, this variant has been classified as Pathogenic. While this particular variant has not been reported in the literature, loss-of-function variants in BRCA2 are known to be pathogenic (PMID: 20104584). This sequence change inserts 1 nucleotide in exon 11 of the BRCA2 mRNA (c.3635dupA), causing a frameshift at codon 1212. This creates a premature translational stop signal (p.Asn1212Lysfs*2) and is expected to result in an absent or disrupted protein product.

Literature cited by the submitters: PubMed 20104584.